The following is an entry in ClinVar:

NM_021620.4(PRDM13):c.1993G>A (p.Gly665Ser)

Gene: PRDM13 (PR/SET domain 13; plus strand). Cytogenetic location: 6q16.2.
Variant type: single nucleotide variant.
Coding change: c.1993G>A on transcript NM_021620.4 (MANE Select); coding-DNA position 1993, G replaced by A.
Protein change: p.Gly665Ser; replaces glycine 665 with serine.
Molecular consequence: missense variant.
Genome position (GRCh38, 1-based): chr6:99,614,628, G>A. VCF-style: chr6-99614628-G-A. GRCh37 (hg19) VCF-style: chr6-100062504-G-A.
Other names: c.1993G>A (NM_021620.3); short protein forms G665S.
Identifiers: ClinVar variation 1026919 (VCV001026919.11), dbSNP rs756828591, ClinGen allele CA3936480.
Genomic context (GRCh38, chr6:99,614,628, plus strand): 5'-CTGGAGCGACATGTCAAGTCCCGCCACCCTGGCCAGAGTCTGCTCGCCAAAGCGGGCGAC[G>A]GCCCGGGTGCCGAGCCCGGCTATCCCCCGGAGCCTGGGGATCCCAAGAGCGACGACAGTG-3'
Protein context (NP_067633.2, residues 655-675): GQSLLAKAGD[Gly665Ser]PGAEPGYPPE

ClinVar aggregate classification (germline): Conflicting classifications of pathogenicity. Review status: criteria provided, conflicting classifications (1 of 4 stars). 3 submissions from 3 submitters: Uncertain significance (2); Likely benign (1). Last evaluated 2025-09-01.

Conditions:
Inborn genetic diseases. Identifiers: MedGen C0950123, MeSH D030342.

Allele frequency attached by ClinVar (database versions not stated): gnomAD below 0.00001; 1000 Genomes Project 30x 0.00031.

Submissions (3):

Ambry Genetics
Classification: Uncertain significance for Inborn genetic diseases. Last evaluated: 2025-09-01. Review status: criteria provided, single submitter. Criteria: Ambry Variant Classification Scheme 2023. Collection method: clinical testing. Allele origin: germline.

Blueprint Genetics
Classification: Likely benign. Last evaluated: 2024-09-20. Review status: criteria provided, single submitter. Criteria: ACMG Guidelines, 2015. Collection method: clinical testing. Allele origin: germline.

Labcorp Genetics (formerly Invitae), Labcorp
Classification: Uncertain significance. Last evaluated: 2020-09-24. Review status: criteria provided, single submitter. Criteria: Invitae Variant Classification Sherloc (09022015). Collection method: clinical testing. Allele origin: germline.
Comment: This variant has not been reported in the literature in individuals with PRDM13-related conditions. In summary, the available evidence is currently insufficient to determine the role of this variant in disease. Therefore, it has been classified as a Variant of Uncertain Significance. Algorithms developed to predict the effect of missense changes on protein structure and function (SIFT, PolyPhen-2, Align-GVGD) all suggest that this variant is likely to be tolerated, but these predictions have not been confirmed by published functional studies and their clinical significance is uncertain. This variant is present in population databases (rs756828591, ExAC 0.02%). This sequence change replaces glycine with serine at codon 665 of the PRDM13 protein (p.Gly665Ser). The glycine residue is highly conserved and there is a small physicochemical difference between glycine and serine.